The following is an entry in ClinVar:

NM_000530.8(MPZ):c.234G>A (p.Ser78=)

Gene: MPZ (myelin protein zero; minus strand). Cytogenetic location: 1q23.3.
Variant type: single nucleotide variant.
Coding change: c.234G>A on transcript NM_000530.8 (MANE Select); coding-DNA position 234, G replaced by A.
Protein change: p.Ser78=; no amino-acid change (serine 78 retained).
Molecular consequence: synonymous variant.
Genome position (GRCh38, 1-based): chr1:161,307,258, C>T on the plus strand (G>A on the coding strand, the complement: MPZ is on the minus strand). VCF-style: chr1-161307258-C-T. GRCh37 (hg19) VCF-style: chr1-161277048-C-T.
Other names: c.234G>A, p.Ser78= (NM_001315491.2).
Identifiers: ClinVar variation 958383 (VCV000958383.35), dbSNP rs368149365, ClinGen allele CA1210210.

ClinVar aggregate classification (germline): Conflicting classifications of pathogenicity. Review status: criteria provided, conflicting classifications (1 of 4 stars). 6 submissions from 6 submitters: Uncertain significance (5); Likely benign (1). Last evaluated 2025-08-12.

Conditions:
Inborn genetic diseases. Identifiers: MedGen C0950123, MeSH D030342.
Charcot-Marie-Tooth disease, type I (CMT1). Also called: Charcot-Marie-Tooth disease type 1; Charcot-Marie-Tooth, Type 1. Identifiers: Orphanet 65753, MedGen C0751036, MONDO:0019011.
Dejerine-Sottas disease. Also called: Charcot-Marie-Tooth disease type 3; DEJERINE-SOTTAS NEUROPATHY; HEREDITARY MOTOR AND SENSORY NEUROPATHY TYPE III; HMSN Type III; Hereditary motor and sensory neuropathy 3. Identifiers: Orphanet 64748, MedGen C0011195, MONDO:0007790, OMIM 145900.
Charcot-Marie-Tooth disease type 1B. Also called: CHARCOT-MARIE-TOOTH NEUROPATHY, TYPE 1B; HEREDITARY MOTOR AND SENSORY NEUROPATHY I; HEREDITARY MOTOR AND SENSORY NEUROPATHY IB; PERONEAL MUSCULAR ATROPHY; CHARCOT-MARIE-TOOTH DISEASE, AUTOSOMAL DOMINANT, WITH FOCALLY FOLDED MYELIN SHEATHS, TYPE 1B; CHARCOT-MARIE-TOOTH DISEASE, SLOW NERVE CONDUCTION TYPE, LINKED TO DUFFY. Identifiers: Orphanet 101082, MedGen C0270912, MONDO:0007307, OMIM 118200.

Allele frequency attached by ClinVar (database versions not stated): TOPMed 0.00002; ESP Exome Variant Server 0.00008.
gnomAD v4.1: 31 of 1,614,086 alleles (0.0019%); highest among the groups gnomAD compares: South Asian, 0.0044%; no homozygotes.

Submissions (6):

Women's Health and Genetics/Laboratory Corporation of America, LabCorp
Classification: Uncertain significance. Last evaluated: 2025-08-12. Review status: criteria provided, single submitter. Criteria: LabCorp Variant Classification Summary - May 2015. Collection method: clinical testing. Allele origin: germline.
Comment: Variant summary: MPZ c.234G>A (p.Ser78Ser) alters a conserved nucleotide located close to a canonical splice site and therefore could affect mRNA splicing, leading to a significantly altered protein sequence. Several computational tools predict a significant impact on normal splicing: Three predict the variant weakens a 5' donor site. One predict the variant no significant impact on splicing. However, these predictions have yet to be confirmed by functional studies. The variant allele was found at a frequency of 4.4e-05 in 251140 control chromosomes. This frequency is not significantly higher than estimated for a pathogenic variant in MPZ causing Charcot-Marie-Tooth disease type 1B (4.4e-05 vs 0.0001), allowing no conclusion about variant significance. To our knowledge, no occurrence of c.234G>A in individuals affected with Charcot-Marie-Tooth disease type 1B and no experimental evidence demonstrating its impact on protein function have been reported. ClinVar contains an entry for this variant (Variation ID: 958383). Based on the evidence outlined above, the variant was classified as uncertain significance.

Labcorp Genetics (formerly Invitae), Labcorp
Classification: Uncertain significance for Charcot-Marie-Tooth disease, type I. Last evaluated: 2025-04-02. Review status: criteria provided, single submitter. Criteria: Invitae Variant Classification Sherloc (09022015). Collection method: clinical testing. Allele origin: germline.
Comment: This sequence change affects codon 78 of the MPZ mRNA. It is a 'silent' change, meaning that it does not change the encoded amino acid sequence of the MPZ protein. This variant also falls at the last nucleotide of exon 2, which is part of the consensus splice site for this exon. This variant is present in population databases (rs368149365, gnomAD 0.008%). This variant has not been reported in the literature in individuals affected with MPZ-related conditions. ClinVar contains an entry for this variant (Variation ID: 958383). Variants that disrupt the consensus splice site are a relatively common cause of aberrant splicing (PMID: 17576681, 9536098). Algorithms developed to predict the effect of sequence changes on RNA splicing suggest that this variant is not likely to affect RNA splicing. In summary, the available evidence is currently insufficient to determine the role of this variant in disease. Therefore, it has been classified as a Variant of Uncertain Significance.

Genomic Medicine Center of Excellence, King Faisal Specialist Hospital and Research Centre
Classification: Uncertain significance for Charcot-Marie-Tooth disease type 1B. Last evaluated: 2024-03-17. Review status: criteria provided, single submitter. Criteria: ACMG Guidelines, 2015. Collection method: research. Allele origin: germline.

Uffe Birk Jensen Lab, Aarhus University Hospital
Classification: Uncertain significance for Charcot-Marie-Tooth disease type 1B. Last evaluated: 2023-07-10. Review status: criteria provided, single submitter. Criteria: ACMG Guidelines, 2015. Collection method: clinical testing, in vivo. Allele origin: germline. Affected: yes. Observed: 1 heterozygote. Functional consequence: function_uncertain_variant.
Comment: The variant results in a silent change at the last nucleotide of exon 2 (NM_000530.8) and was observed in controls at an allele frequency of 0.00008 in the Exome Sequencing Project. In silico predictions are conflicting. RNA-Seq in patient fibroblasts was indeterminate due to a low frequency exon-skipping; allelic expression analysis indicated at least 80% relative splicing activity compared to the wildtype allele.

Ambry Genetics
Classification: Likely benign for Inborn genetic diseases. Last evaluated: 2020-11-13. Review status: criteria provided, single submitter. Criteria: Ambry Variant Classification Scheme 2023. Collection method: clinical testing. Allele origin: germline.

Baylor Genetics
Classification: Uncertain significance for Dejerine-Sottas disease. Last evaluated: 2020-02-07. Review status: criteria provided, single submitter. Criteria: ACMG Guidelines, 2015. Collection method: clinical testing. Allele origin: unknown. Affected: yes.
Comment: This variant was determined to be of uncertain significance according to ACMG Guidelines, 2015 [PMID:25741868].

Literature cited by the submitters: PubMed 17576681 (cited by Labcorp Genetics (formerly Invitae), Labcorp); PubMed 9536098 (cited by Labcorp Genetics (formerly Invitae), Labcorp); PubMed 38272032 (cited by Uffe Birk Jensen Lab, Aarhus University Hospital).